The following is an entry in ClinVar:

NM_006947.4(SRP72):c.679A>G (p.Ile227Val)

Gene: SRP72 (signal recognition particle 72; plus strand). Cytogenetic location: 4q12.
Variant type: single nucleotide variant.
Coding change: c.679A>G on transcript NM_006947.4 (MANE Select); coding-DNA position 679, A replaced by G.
Protein change: p.Ile227Val; replaces isoleucine 227 with valine.
Molecular consequence: missense variant. On other transcripts: non-coding transcript variant (1), intron variant (1).
Genome position (GRCh38, 1-based): chr4:56,478,415, A>G. VCF-style: chr4-56478415-A-G. GRCh37 (hg19) VCF-style: chr4-57344581-A-G.
Other names: c.642+1713A>G (NM_001267722.2); short protein forms I227V.
Identifiers: ClinVar variation 4174933 (VCV004174933.1).

ClinVar aggregate classification (germline): Uncertain significance (1 of 4 stars; one submission).

Submission:

Ambry Genetics
Classification: Uncertain significance. Last evaluated: 2025-07-15. Review status: criteria provided, single submitter. Criteria: Ambry Variant Classification Scheme 2023. Collection method: clinical testing. Allele origin: germline.
Comment: The p.I227V variant (also known as c.679A>G), located in coding exon 7 of the SRP72 gene, results from an A to G substitution at nucleotide position 679. The isoleucine at codon 227 is replaced by valine, an amino acid with highly similar properties. This amino acid position is conserved. In addition, this alteration is predicted to be tolerated by in silico analysis. Based on the available evidence, the clinical significance of this variant remains unclear.